The following is an entry in ClinVar:

ClinVar aggregate classification (germline): Uncertain significance (1 of 4 stars; one submission).

Conditions:
Dilated cardiomyopathy 1G (CMD1G). Identifiers: Orphanet 154, MedGen C1858763, MONDO:0011400, OMIM 604145.
Autosomal recessive limb-girdle muscular dystrophy type 2J (LGMDR10). Also called: Limb-girdle muscular dystrophy, type 2J; MUSCULAR DYSTROPHY, LIMB-GIRDLE, AUTOSOMAL RECESSIVE 10. Identifiers: Orphanet 140922, MedGen C1837342, MONDO:0012127, OMIM 608807.

Submission:

Labcorp Genetics (formerly Invitae), Labcorp
Classification: Uncertain significance for Dilated cardiomyopathy 1G; Autosomal recessive limb-girdle muscular dystrophy type 2J. Last evaluated: 2022-03-23. Review status: criteria provided, single submitter. Criteria: Invitae Variant Classification Sherloc (09022015). Collection method: clinical testing. Allele origin: germline.
Comment: This sequence change replaces methionine, which is neutral and non-polar, with arginine, which is basic and polar, at codon 35552 of the TTN protein (p.Met35552Arg). This variant has not been reported in the literature in individuals affected with TTN-related conditions. This variant is not present in population databases (gnomAD no frequency). Experimental studies and prediction algorithms are not available or were not evaluated, and the functional significance of this variant is currently unknown. This variant is located in the M band of TTN (PMID: 25589632). Variants in this region may be relevant for neuromuscular disorders, but have not been definitively shown to cause cardiomyopathy (PMID: 23975875). In summary, the available evidence is currently insufficient to determine the role of this variant in disease. Therefore, it has been classified as a Variant of Uncertain Significance.

Literature cited by the submitters: PubMed 25589632; PubMed 23975875.

NM_001267550.2(TTN):c.106655T>G (p.Met35552Arg)

Genes: TTN (titin; minus strand), TTN-AS1 (TTN antisense RNA 1; plus strand). Cytogenetic location: 2q31.2.
Variant type: single nucleotide variant.
Coding change: c.106655T>G on transcript NM_001267550.2 (MANE Select); coding-DNA position 106655, T replaced by G.
Protein change: p.Met35552Arg; replaces methionine 35552 with arginine.
Molecular consequence: missense variant.
Genome position (GRCh38, 1-based): chr2:178,529,096, A>C on the plus strand (T>G on the coding strand, the complement: TTN is on the minus strand). VCF-style: chr2-178529096-A-C. GRCh37 (hg19) VCF-style: chr2-179393823-A-C.
Other names: c.101732T>G, p.Met33911Arg (NM_001256850.1); c.79460T>G, p.Met26487Arg (NM_003319.4); c.98951T>G, p.Met32984Arg (NM_133378.4); c.79835T>G, p.Met26612Arg (NM_133432.3); c.80036T>G, p.Met26679Arg (NM_133437.4); short protein forms M32984R, M26487R, M33911R, M35552R, M26612R, M26679R.
Identifiers: ClinVar variation 1510492 (VCV001510492.8), dbSNP rs2154131569, ClinGen allele CA349403847.